The following is an entry in ClinVar:

ClinVar aggregate classification (germline): Uncertain significance (1 of 4 stars; one submission).

Submission:

Labcorp Genetics (formerly Invitae), Labcorp
Classification: Uncertain significance. Last evaluated: 2022-02-10. Review status: criteria provided, single submitter. Criteria: Invitae Variant Classification Sherloc (09022015). Collection method: clinical testing. Allele origin: germline.
Comment: This sequence change replaces aspartic acid, which is acidic and polar, with glutamic acid, which is acidic and polar, at codon 102 of the MAPKAPK3 protein (p.Asp102Glu). In summary, the available evidence is currently insufficient to determine the role of this variant in disease. Therefore, it has been classified as a Variant of Uncertain Significance. Algorithms developed to predict the effect of missense changes on protein structure and function are either unavailable or do not agree on the potential impact of this missense change (SIFT: "Deleterious"; PolyPhen-2: "Benign"; Align-GVGD: "Class C35"). This variant has not been reported in the literature in individuals affected with MAPKAPK3-related conditions. This variant is not present in population databases (gnomAD no frequency).

NM_001243925.2(MAPKAPK3):c.306T>G (p.Asp102Glu)

Gene: MAPKAPK3 (MAPK activated protein kinase 3; plus strand). Cytogenetic location: 3p21.2.
Variant type: single nucleotide variant.
Coding change: c.306T>G on transcript NM_001243925.2 (MANE Select); coding-DNA position 306, T replaced by G.
Protein change: p.Asp102Glu; replaces aspartic acid 102 with glutamic acid.
Molecular consequence: missense variant.
Genome position (GRCh38, 1-based): chr3:50,640,452, T>G. VCF-style: chr3-50640452-T-G. GRCh37 (hg19) VCF-style: chr3-50677883-T-G.
Other names: c.306T>G, p.Asp102Glu (NM_001243926.2, NM_004635.5); short protein forms D102E.
Identifiers: ClinVar variation 2095893 (VCV002095893.4), dbSNP rs2471697544, ClinGen allele CA352925977.
Genomic context (GRCh38, chr3:50,640,452, plus strand): 5'-GCAGGAGGTAGACCATCACTGGCAGGCTTCTGGCGGCCCCCATATTGTCTGCATCCTGGA[T>G]GTGTATGAGAACATGCACCATGGCAAGCGCTGTCTCCTCATCATCATGGAATGGTATGCT-3'
Protein context (NP_001230854.1, residues 92-112): SGGPHIVCIL[Asp102Glu]VYENMHHGKR